The following is an entry in ClinVar:

ClinVar aggregate classification (germline): Uncertain significance (1 of 4 stars; one submission).

Submission:

Labcorp Genetics (formerly Invitae), Labcorp
Classification: Uncertain significance. Last evaluated: 2023-06-21. Review status: criteria provided, single submitter. Criteria: Invitae Variant Classification Sherloc (09022015). Collection method: clinical testing. Allele origin: germline.
Comment: This sequence change replaces aspartic acid, which is acidic and polar, with tyrosine, which is neutral and polar, at codon 659 of the HYOU1 protein (p.Asp659Tyr). This variant is not present in population databases (gnomAD no frequency). This variant has not been reported in the literature in individuals affected with HYOU1-related conditions. An algorithm developed to predict the effect of missense changes on protein structure and function (PolyPhen-2) suggests that this variant is likely to be tolerated. In summary, the available evidence is currently insufficient to determine the role of this variant in disease. Therefore, it has been classified as a Variant of Uncertain Significance.

NM_006389.5(HYOU1):c.1975G>T (p.Asp659Tyr)

Gene: HYOU1 (hypoxia up-regulated 1; minus strand). Cytogenetic location: 11q23.3.
Variant type: single nucleotide variant.
Coding change: c.1975G>T on transcript NM_006389.5 (MANE Select); coding-DNA position 1975, G replaced by T.
Protein change: p.Asp659Tyr; replaces aspartic acid 659 with tyrosine.
Molecular consequence: missense variant.
Genome position (GRCh38, 1-based): chr11:119,049,035, C>A on the plus strand (G>T on the coding strand, the complement: HYOU1 is on the minus strand). VCF-style: chr11-119049035-C-A. GRCh37 (hg19) VCF-style: chr11-118919747-C-A.
Other names: c.1975G>T, p.Asp659Tyr (NM_001130991.3, NM_001411041.1); short protein forms D659Y.
Identifiers: ClinVar variation 2845156 (VCV002845156.3), dbSNP rs2497128176, ClinGen allele CA382930184.